The following is an entry in ClinVar:

NM_001267550.2(TTN):c.100704C>A (p.Tyr33568Ter)

Genes: TTN (titin; minus strand), TTN-AS1 (TTN antisense RNA 1; plus strand). Cytogenetic location: 2q31.2.
Variant type: single nucleotide variant.
Coding change: c.100704C>A on transcript NM_001267550.2 (MANE Select); coding-DNA position 100704, C replaced by A.
Protein change: p.Tyr33568Ter; replaces tyrosine 33568 with a stop codon.
Molecular consequence: nonsense.
Genome position (GRCh38, 1-based): chr2:178,536,043, G>T on the plus strand (C>A on the coding strand, the complement: TTN is on the minus strand). VCF-style: chr2-178536043-G-T. GRCh37 (hg19) VCF-style: chr2-179400770-G-T.
Other names: c.95781C>A, p.Tyr31927Ter (NM_001256850.1); c.73509C>A, p.Tyr24503Ter (NM_003319.4); c.93000C>A, p.Tyr31000Ter (NM_133378.4); c.73884C>A, p.Tyr24628Ter (NM_133432.3); c.74085C>A, p.Tyr24695Ter (NM_133437.4); short protein forms Y31927*, Y33568*, Y24628*, Y24695*, Y31000*, Y24503*.
Identifiers: ClinVar variation 489308 (VCV000489308.7), dbSNP rs1553501227, ClinGen allele CA349424907.

ClinVar aggregate classification (germline): Likely pathogenic. Review status: criteria provided, multiple submitters, no conflicts (2 of 4 stars). 3 submissions from 3 submitters: Likely pathogenic (3). Last evaluated 2025-02-10.

Conditions:
Cardiovascular phenotype. Identifiers: MedGen CN230736.
Autosomal recessive limb-girdle muscular dystrophy type 2J (LGMDR10). Also called: Limb-girdle muscular dystrophy, type 2J; MUSCULAR DYSTROPHY, LIMB-GIRDLE, AUTOSOMAL RECESSIVE 10. Identifiers: Orphanet 140922, MedGen C1837342, MONDO:0012127, OMIM 608807.
Dilated cardiomyopathy 1G (CMD1G). Identifiers: Orphanet 154, MedGen C1858763, MONDO:0011400, OMIM 604145.
Myopathy, myofibrillar, 9, with early respiratory failure (MFM9). Also called: Hereditary myopathy with early respiratory failure; Myopathy, distal, with early respiratory failure, autosomal dominant; EDSTROM MYOPATHY; MYOPATHY, PROXIMAL, WITH EARLY RESPIRATORY MUSCLE INVOLVEMENT. Identifiers: Orphanet 178464, Orphanet 34521, MedGen C1863599, MONDO:0011362, OMIM 603689.

Submissions (3):

Labcorp Genetics (formerly Invitae), Labcorp
Classification: Likely pathogenic for Dilated cardiomyopathy 1G; Autosomal recessive limb-girdle muscular dystrophy type 2J. Last evaluated: 2025-02-10. Review status: criteria provided, single submitter. Criteria: Invitae Variant Classification Sherloc (09022015). Collection method: clinical testing. Allele origin: germline.
Comment: This sequence change creates a premature translational stop signal (p.Tyr33568*) in the TTN gene. While this is not anticipated to result in nonsense mediated decay, it is expected to create a truncated TTN protein. This variant is not present in population databases (gnomAD no frequency). This premature translational stop signal has been observed in individual(s) with TTN-related conditions (PMID: 33870097). ClinVar contains an entry for this variant (Variation ID: 489308). This variant is located in the A band of TTN (PMID: 25589632). Truncating variants in this region are significantly overrepresented in patients affected with dilated cardiomyopathy (PMID: 25589632). Truncating variants in this region have also been reported in individuals affected with autosomal recessive centronuclear myopathy (PMID: 23975875). In summary, the currently available evidence indicates that the variant is pathogenic, but additional data are needed to prove that conclusively. Therefore, this variant has been classified as Likely Pathogenic.

Ambry Genetics
Classification: Likely pathogenic for Cardiovascular phenotype. Last evaluated: 2019-08-01. Review status: criteria provided, single submitter. Criteria: Ambry Variant Classification Scheme 2023. Collection method: clinical testing. Allele origin: germline.
Comment: The p.Y24503* variant (also known as c.73509C>A), located in coding exon 184 of the TTN gene, results from a C to A substitution at nucleotide position 73509. This changes the amino acid from a tyrosine to a stop codon within coding exon 184. This exon is located in the A-band region of the N2-B isoform of the titin protein and is constitutively expressed in TTN transcripts (percent spliced in or PSI 100%). This alteration is expected to result in loss of function by premature protein truncation or nonsense-mediated mRNA decay. While truncating variants in TTN are present in 1-3% of the general population, truncating variants in the A-band are the most common cause of dilated cardiomyopathy (DCM) (Herman DS et al. N. Engl. J. Med., 2012 Feb;366:619-28; Roberts AM et al. Sci Transl Med, 2015 Jan;7:270ra6). TTN truncating variants encoded in constitutive exons (PSI >90%) have been found to be significantly associated with DCM regardless of their position in titin (Schafer S et al. Nat. Genet., 2017 01;49:46-53). As such, this alteration is classified as likely pathogenic.

GeneDx
Classification: Likely pathogenic. Last evaluated: 2018-09-12. Review status: criteria provided, single submitter. Criteria: GeneDx Variant Classification (06012015). Collection method: clinical testing. Allele origin: germline. Affected: yes.
Comment: The Y31000X variant is not observed in large population cohorts (Lek et al., 2016). This variant is predicted to cause loss of normal protein function either through protein truncation or nonsense-mediated mRNA decay. Although Y31000X has not been previously reported to our knowledge, other nonsense variants in the TTN gene have been reported in the Human Gene Mutation Database in association with TTN-related disorders (Stenson et al., 2014). Additionally, the Y31000X variant is located in the A-band of the titin protein, where the majority of pathogenic truncating variants have been reported.

Literature cited by the submitters: PubMed 33870097 (cited by Labcorp Genetics (formerly Invitae), Labcorp); PubMed 25589632 (cited by Labcorp Genetics (formerly Invitae), Labcorp); PubMed 23975875 (cited by Labcorp Genetics (formerly Invitae), Labcorp).